The following is an entry in ClinVar:

NM_024496.4(IRF2BPL):c.1607G>T (p.Gly536Val)

Gene: IRF2BPL (interferon regulatory factor 2 binding protein like; minus strand). Cytogenetic location: 14q24.3.
Variant type: single nucleotide variant.
Coding change: c.1607G>T on transcript NM_024496.4 (MANE Select); coding-DNA position 1607, G replaced by T.
Protein change: p.Gly536Val; replaces glycine 536 with valine.
Molecular consequence: missense variant.
Genome position (GRCh38, 1-based): chr14:77,026,186, C>A on the plus strand (G>T on the coding strand, the complement: IRF2BPL is on the minus strand). VCF-style: chr14-77026186-C-A. GRCh37 (hg19) VCF-style: chr14-77492529-C-A.
Other names: short protein forms G536V.
Identifiers: ClinVar variation 3110853 (VCV003110853.2), dbSNP rs745856019, ClinGen allele CA7283643.

ClinVar aggregate classification (germline): Uncertain significance. Review status: criteria provided, multiple submitters, no conflicts (2 of 4 stars). 2 submissions from 2 submitters: Uncertain significance (2). Last evaluated 2023-10-13.

Conditions:
Inborn genetic diseases. Identifiers: MedGen C0950123, MeSH D030342.
Neurodevelopmental disorder with regression, abnormal movements, loss of speech, and seizures. Identifiers: Orphanet 597623, MedGen C4748127, MONDO:0060759, OMIM 618088.

Allele frequency attached by ClinVar (database versions not stated): TOPMed 0.00001; gnomAD 0.00003; 1000 Genomes Project 30x 0.00016.
gnomAD v4.1: 55 of 1,400,606 alleles (0.0039%); highest among the groups gnomAD compares: South Asian, 0.081%; no homozygotes.

Submissions (2):

Ambry Genetics
Classification: Uncertain significance for Inborn genetic diseases. Last evaluated: 2023-10-13. Review status: criteria provided, single submitter. Criteria: Ambry Variant Classification Scheme 2023. Collection method: clinical testing. Allele origin: germline.

Neuberg Centre For Genomic Medicine, NCGM
Classification: Uncertain significance for Neurodevelopmental disorder with regression, abnormal movements, loss of speech, and seizures. Review status: criteria provided, single submitter. Criteria: ACMG Guidelines, 2015. Collection method: clinical testing. Allele origin: germline. Inheritance: Autosomal dominant inheritance. Affected: yes.
Comment: The missense variant c.1607G>T p.Gly536Val in the IRF2BPL gene has not been reported previously as a pathogenic variant nor as a benign variant, to our knowledge. This variant is reported with the allele frequency 0.02% in the gnomAD Exomes and novel in 1000 Genomes. The amino acid Glycine at position 536 is changed to a Valine changing protein sequence and it might alter its composition and physico-chemical properties. The variant is predicted as damaging by SIFT. The amino acid change p.Gly536Val in IRF2BPL is predicted as conserved by GERP++ and PhyloP across 100 vertebrates. For these reasons, this variant has been classified as Uncertain Significance.